The following is an entry in ClinVar:

ClinVar aggregate classification (germline): Uncertain significance (1 of 4 stars; one submission).

Conditions:
Hereditary pheochromocytoma and paraganglioma. Also called: Hereditary Paraganglioma-Pheochromocytoma Syndromes; Hereditary pheochromocytoma-paraganglioma; Hereditary paragangliomas and pheochromocytomas. Identifiers: Orphanet 29072, MedGen C4274332, MONDO:0017366.

Submission:

Labcorp Genetics (formerly Invitae), Labcorp
Classification: Uncertain significance for Hereditary pheochromocytoma and paraganglioma. Last evaluated: 2023-10-24. Review status: criteria provided, single submitter. Criteria: Invitae Variant Classification Sherloc (09022015). Collection method: clinical testing. Allele origin: germline.
Comment: This sequence change replaces glutamic acid, which is acidic and polar, with alanine, which is neutral and non-polar, at codon 65 of the TMEM127 protein (p.Glu65Ala). This variant is not present in population databases (gnomAD no frequency). This variant has not been reported in the literature in individuals affected with TMEM127-related conditions. An algorithm developed to predict the effect of missense changes on protein structure and function (PolyPhen-2) suggests that this variant is likely to be tolerated. In summary, the available evidence is currently insufficient to determine the role of this variant in disease. Therefore, it has been classified as a Variant of Uncertain Significance.

NM_017849.4(TMEM127):c.194A>C (p.Glu65Ala)

Gene: TMEM127 (transmembrane protein 127; minus strand). Cytogenetic location: 2q11.2.
Variant type: single nucleotide variant.
Coding change: c.194A>C on transcript NM_017849.4 (MANE Select); coding-DNA position 194, A replaced by C.
Protein change: p.Glu65Ala; replaces glutamic acid 65 with alanine.
Molecular consequence: missense variant. On other transcripts: intron variant (1).
Genome position (GRCh38, 1-based): chr2:96,265,188, T>G on the plus strand (A>C on the coding strand, the complement: TMEM127 is on the minus strand). VCF-style: chr2-96265188-T-G. GRCh37 (hg19) VCF-style: chr2-96930926-T-G.
Other names: c.194A>C, p.Glu65Ala (NM_001193304.3); c.-9+681A>C (NM_001407283.1); short protein forms E65A.
Identifiers: ClinVar variation 2771501 (VCV002771501.3), dbSNP rs1239429978, ClinGen allele CA347655923.